The following is an entry in ClinVar:

NM_130466.4(UBE3B):c.1566C>G (p.Ser522=)

Gene: UBE3B (ubiquitin protein ligase E3B; plus strand). Cytogenetic location: 12q24.11.
Variant type: single nucleotide variant.
Coding change: c.1566C>G on transcript NM_130466.4 (MANE Select); coding-DNA position 1566, C replaced by G.
Protein change: p.Ser522=; no amino-acid change (serine 522 retained).
Molecular consequence: synonymous variant.
Genome position (GRCh38, 1-based): chr12:109,507,679, C>G. VCF-style: chr12-109507679-C-G. GRCh37 (hg19) VCF-style: chr12-109945484-C-G.
Other names: c.1566C>G, p.Ser522= (NM_183415.3).
Identifiers: ClinVar variation 2643273 (VCV002643273.26), dbSNP rs1307845863, ClinGen allele CA481713787.

ClinVar aggregate classification (germline): Likely benign. Review status: criteria provided, multiple submitters, no conflicts (2 of 4 stars). 2 submissions from 2 submitters: Likely benign (2). Last evaluated 2025-12-28.

Allele frequency attached by ClinVar (database versions not stated): gnomAD 0.00001; gnomAD exomes 0.00002; TOPMed 0.00002.

Submissions (2):

Labcorp Genetics (formerly Invitae), Labcorp
Classification: Likely benign. Last evaluated: 2025-12-28. Review status: criteria provided, single submitter. Criteria: Invitae Variant Classification Sherloc (09022015). Collection method: clinical testing. Allele origin: germline.

CeGaT Center for Human Genetics Tuebingen
Classification: Likely benign. Last evaluated: 2022-11-01. Review status: criteria provided, single submitter. Criteria: CeGaT Center For Human Genetics Tuebingen Variant Classification Criteria Version 2. Collection method: clinical testing. Allele origin: germline. Affected: yes. Observed: 1 variant allele.
Comment: UBE3B: BP4, BP7